The following is an entry in ClinVar:

NM_000540.3(RYR1):c.5915A>T (p.Asn1972Ile)

Gene: RYR1 (ryanodine receptor 1; plus strand). Cytogenetic location: 19q13.2.
Variant type: single nucleotide variant.
Coding change: c.5915A>T on transcript NM_000540.3 (MANE Select); coding-DNA position 5915, A replaced by T.
Protein change: p.Asn1972Ile; replaces asparagine 1972 with isoleucine.
Molecular consequence: missense variant.
Genome position (GRCh38, 1-based): chr19:38,490,176, A>T. VCF-style: chr19-38490176-A-T. GRCh37 (hg19) VCF-style: chr19-38980816-A-T.
Other names: c.5915A>T, p.Asn1972Ile (NM_001042723.2); short protein forms N1972I.
Identifiers: ClinVar variation 1175194 (VCV001175194.8), dbSNP rs1377668924, ClinGen allele CA405660482.

ClinVar aggregate classification (germline): Pathogenic/Likely pathogenic. Review status: criteria provided, multiple submitters, no conflicts (2 of 4 stars). 2 submissions from 2 submitters: Pathogenic (1); Likely pathogenic (1). Last evaluated 2025-03-18.

Conditions:
RYR1-related disorder. Also called: RYR1-related condition; RYR1-related disorders. Identifiers: MedGen CN239331.
Central core myopathy (CMYO1A). Also called: CONGENITAL MYOPATHY 1A, AUTOSOMAL DOMINANT, WITH SUSCEPTIBILITY TO MALIGNANT HYPERTHERMIA; Central core disease; Myopathy, central fibrillar. Identifiers: Orphanet 597, MedGen C5830701, MONDO:0007294, OMIM 117000.

Allele frequency attached by ClinVar (database versions not stated): TOPMed below 0.00001.

Submissions (2):

Labcorp Genetics (formerly Invitae), Labcorp
Classification: Pathogenic for RYR1-related disorder. Last evaluated: 2025-03-18. Review status: criteria provided, single submitter. Criteria: Invitae Variant Classification Sherloc (09022015). Collection method: clinical testing. Allele origin: germline.
Comment: This sequence change replaces asparagine, which is neutral and polar, with isoleucine, which is neutral and non-polar, at codon 1972 of the RYR1 protein (p.Asn1972Ile). This variant is not present in population databases (gnomAD no frequency). This missense change has been observed in individual(s) with clinical features of autosomal recessive RYR1-related conditions (PMID: 27363342, 34539730; internal data). In at least one individual the data is consistent with being in trans (on the opposite chromosome) from a pathogenic variant. ClinVar contains an entry for this variant (Variation ID: 1175194). Invitae Evidence Modeling of protein sequence and biophysical properties (such as structural, functional, and spatial information, amino acid conservation, physicochemical variation, residue mobility, and thermodynamic stability) indicates that this missense variant is expected to disrupt RYR1 protein function with a positive predictive value of 80%. For these reasons, this variant has been classified as Pathogenic.

Beijing Key Laboratry for Genetics of Birth Defects, Beijing Children's Hospital
Classification: Likely pathogenic for Central core myopathy. Last evaluated: 2020-02-28. Review status: criteria provided, single submitter. Criteria: ACMG Guidelines, 2015. Collection method: clinical testing. Allele origin: germline. Affected: yes. Observed: 1 variant allele.

Literature cited by the submitters: PubMed 27363342 (cited by Labcorp Genetics (formerly Invitae), Labcorp); PubMed 34539730 (cited by Labcorp Genetics (formerly Invitae), Labcorp).